The following is an entry in ClinVar:

NM_015346.4(ZFYVE26):c.3304+1G>A

Gene: ZFYVE26 (zinc finger FYVE-type containing 26; minus strand). Cytogenetic location: 14q24.1.
Variant type: single nucleotide variant.
Coding change: c.3304+1G>A on transcript NM_015346.4 (MANE Select); the canonical splice donor site of the intron after coding-DNA position 3304, G replaced by A.
Molecular consequence: splice donor variant.
Genome position (GRCh38, 1-based): chr14:67,785,857, C>T on the plus strand (G>A on the coding strand, the complement: ZFYVE26 is on the minus strand). VCF-style: chr14-67785857-C-T. GRCh37 (hg19) VCF-style: chr14-68252574-C-T.
Identifiers: ClinVar variation 3068641 (VCV003068641.1), dbSNP rs2502816810, ClinGen allele CA390172545.

ClinVar aggregate classification (germline): Likely pathogenic (1 of 4 stars; one submission).

Conditions:
Hereditary spastic paraplegia 15 (SPG15). Also called: SPASTIC PARAPLEGIA AND RETINAL DEGENERATION; KJELLIN SYNDROME; SPASTIC PARAPLEGIA 15, AUTOSOMAL RECESSIVE. Identifiers: Orphanet 100996, MedGen C1849128, MONDO:0010044, OMIM 270700.

Submission:

Molecular Genetics, Royal Melbourne Hospital
Classification: Likely pathogenic for Hereditary spastic paraplegia 15. Last evaluated: 2024-03-01. Review status: criteria provided, single submitter. Criteria: ACMG Guidelines, 2015. Collection method: clinical testing. Allele origin: germline. Inheritance: Autosomal recessive inheritance. Affected: yes.
Comment: This sequence change in ZFYVE26 occurs within the canonical splice donor site (+ 1) of intron 18. It is predicted to cause cryptic donor site activation removing 37 bp of biologically relevant exon 18/42, resulting in a frameshift leading to nonsense-mediated decay in a gene in which loss-of-function is an established disease mechanism. This variant is absent from the population database gnomAD v4.0. To our knowledge, this variant has not been reported in the literature in any individuals. Based on the classification scheme RMH Modified ACMG/AMP Guidelines v1.6.1, this variant is classified as LIKELY PATHOGENIC. Following criteria are met: PVS1, PM2_Supporting.